The following is an entry in ClinVar:

ClinVar aggregate classification (germline): Uncertain significance. Review status: criteria provided, multiple submitters, no conflicts (2 of 4 stars). 3 submissions from 3 submitters: Uncertain significance (3). Last evaluated 2024-02-07.

Conditions:
Spastic paraplegia. Identifiers: MedGen C0037772, HP:0001258.

gnomAD v4.1: 1 of 1,613,256 alleles (0.000062%); highest among the groups gnomAD compares: Non-Finnish European, 0.000085%; no homozygotes.

Submissions (3):

Women's Health and Genetics/Laboratory Corporation of America, LabCorp
Classification: Uncertain significance. Last evaluated: 2024-02-07. Review status: criteria provided, single submitter. Criteria: LabCorp Variant Classification Summary - May 2015. Collection method: clinical testing. Allele origin: germline.
Comment: Variant summary: KIF5A c.1316G>C (p.Ser439Thr) results in a conservative amino acid change in the encoded protein sequence. Three of five in-silico tools predict a damaging effect of the variant on protein function. The variant was absent in 251444 control chromosomes. The available data on variant occurrences in the general population are insufficient to allow any conclusion about variant significance. To our knowledge, no occurrence of c.1316G>C in individuals affected with KIF5A-Related Disorders and no experimental evidence demonstrating its impact on protein function have been reported. ClinVar contains an entry for this variant (Variation ID: 1976553). Based on the evidence outlined above, the variant was classified as uncertain significance.

Blueprint Genetics
Classification: Uncertain significance. Last evaluated: 2022-04-11. Review status: criteria provided, single submitter. Criteria: ACMG Guidelines, 2015. Collection method: clinical testing. Allele origin: germline.

Labcorp Genetics (formerly Invitae), Labcorp
Classification: Uncertain significance for Spastic paraplegia. Last evaluated: 2022-02-10. Review status: criteria provided, single submitter. Criteria: Invitae Variant Classification Sherloc (09022015). Collection method: clinical testing. Allele origin: germline.
Comment: In summary, the available evidence is currently insufficient to determine the role of this variant in disease. Therefore, it has been classified as a Variant of Uncertain Significance. Advanced modeling of protein sequence and biophysical properties (such as structural, functional, and spatial information, amino acid conservation, physicochemical variation, residue mobility, and thermodynamic stability) performed at Invitae indicates that this missense variant is not expected to disrupt KIF5A protein function. This variant has not been reported in the literature in individuals affected with KIF5A-related conditions. This variant is not present in population databases (gnomAD no frequency). This sequence change replaces serine, which is neutral and polar, with threonine, which is neutral and polar, at codon 439 of the KIF5A protein (p.Ser439Thr).

NM_004984.4(KIF5A):c.1316G>C (p.Ser439Thr)

Gene: KIF5A (kinesin family member 5A; plus strand). Cytogenetic location: 12q13.3.
Variant type: single nucleotide variant.
Coding change: c.1316G>C on transcript NM_004984.4 (MANE Select); coding-DNA position 1316, G replaced by C.
Protein change: p.Ser439Thr; replaces serine 439 with threonine.
Molecular consequence: missense variant.
Genome position (GRCh38, 1-based): chr12:57,571,343, G>C. VCF-style: chr12-57571343-G-C. GRCh37 (hg19) VCF-style: chr12-57965126-G-C.
Other names: c.1049G>C, p.Ser350Thr (NM_001354705.2); short protein forms S350T, S439T.
Identifiers: ClinVar variation 1976553 (VCV001976553.8), dbSNP rs2540502999, ClinGen allele CA385504877.